The following is an entry in ClinVar:

ClinVar aggregate classification (germline): Likely benign. Review status: criteria provided, multiple submitters, no conflicts (2 of 4 stars). 2 submissions from 2 submitters: Likely benign (2). Last evaluated 2025-03-01.

Conditions:
Landau-Kleffner syndrome (FESD). Also called: EPILEPSY, FOCAL, WITH SPEECH DISORDER AND WITH OR WITHOUT MENTAL RETARDATION; APHASIA, ACQUIRED, WITH EPILEPSY. Identifiers: Orphanet 1945, Orphanet 725, Orphanet 98818, MedGen C0282512, MONDO:0009509, OMIM 245570.

Allele frequency attached by ClinVar (database versions not stated): gnomAD 0.00001; gnomAD exomes below 0.00001; TOPMed 0.00002.
gnomAD v4.1: 4 of 1,613,702 alleles (0.00025%); highest among the groups gnomAD compares: African/African-American, 0.0053%; no homozygotes.

Submissions (2):

CeGaT Center for Human Genetics Tuebingen
Classification: Likely benign. Last evaluated: 2025-03-01. Review status: criteria provided, single submitter. Criteria: CeGaT Center For Human Genetics Tuebingen Variant Classification Criteria Version 2. Collection method: clinical testing. Allele origin: germline. Affected: yes. Observed: 1 variant allele.
Comment: GRIN2A: BP4, BP7

Labcorp Genetics (formerly Invitae), Labcorp
Classification: Likely benign for Landau-Kleffner syndrome. Last evaluated: 2024-12-30. Review status: criteria provided, single submitter. Criteria: Invitae Variant Classification Sherloc (09022015). Collection method: clinical testing. Allele origin: germline.

NM_001134407.3(GRIN2A):c.3441C>T (p.Phe1147=)

Gene: GRIN2A (glutamate ionotropic receptor NMDA type subunit 2A; minus strand). Cytogenetic location: 16p13.2.
Variant type: single nucleotide variant.
Coding change: c.3441C>T on transcript NM_001134407.3 (MANE Select); coding-DNA position 3441, C replaced by T.
Protein change: p.Phe1147=; no amino-acid change (phenylalanine 1147 retained).
Molecular consequence: synonymous variant.
Genome position (GRCh38, 1-based): chr16:9,764,103, G>A on the plus strand (C>T on the coding strand, the complement: GRIN2A is on the minus strand). VCF-style: chr16-9764103-G-A. GRCh37 (hg19) VCF-style: chr16-9857960-G-A.
Other names: c.3441C>T, p.Phe1147= (NM_000833.5, NM_001134408.2).
Identifiers: ClinVar variation 1152922 (VCV001152922.16), dbSNP rs1455176676, ClinGen allele CA493692845.